The following is an entry in ClinVar:

ClinVar aggregate classification (germline): Likely pathogenic (1 of 4 stars; one submission).

Conditions:
Polycystic kidney disease, adult type (PKD1). Also called: POLYCYSTIC KIDNEY DISEASE 1 WITH OR WITHOUT POLYCYSTIC LIVER DISEASE; Polycystic Kidney Disease 1, Autosomal Dominant; Polycystic kidney disease 1; Polycystic kidney disease 1, severe; Polycystic Kidney, Autosomal Dominant; POLYCYSTIC KIDNEY DISEASE, ADULT, TYPE I. Identifiers: MedGen C3149841, MONDO:0008263, OMIM 173900.

Submission:

3billion
Classification: Likely pathogenic for Polycystic kidney disease, adult type. Review status: criteria provided, single submitter. Criteria: ACMG Guidelines, 2015. Collection method: clinical testing. Allele origin: unknown. Affected: yes. Observed: 1 heterozygote.
Comment: The variant is not observed in the gnomAD v2.1.1 dataset. The variant is predicted to result in a loss or disruption of normal protein function through nonsense-mediated decay (NMD) or protein truncation. Multiple pathogenic variants are reported downstream of the variant. Therefore, this variant is classified as Likely pathogenic according to the recommendation of ACMG/AMP guideline.

NM_001009944.3(PKD1):c.6420del (p.Val2141fs)

Gene: PKD1 (polycystin 1, transient receptor potential channel interacting; minus strand). Cytogenetic location: 16p13.3.
Variant type: Deletion.
Coding change: c.6420del on transcript NM_001009944.3 (MANE Select); coding-DNA position 6420, one base deleted (C; older notation c.6420delC).
Protein change: p.Val2141fs; shifts the reading frame from valine 2141.
Molecular consequence: frameshift variant.
Genome position (GRCh38, 1-based): chr16:2,108,747, G deleted on the plus strand (C on the coding strand, the reverse complement: PKD1 is on the minus strand); the first of 2 consecutive G bases (chr16:2,108,747-2,108,748); deleting either gives the same sequence. VCF-style (leftmost placement, unchanged base first): chr16-2108746-CG-C. GRCh37 (hg19) VCF-style: chr16-2158747-CG-C.
Other names: c.6420del, p.Val2141fs (NM_000296.4); short protein forms V2141fs.
Identifiers: ClinVar variation 2572484 (VCV002572484.1), dbSNP rs2544803187, ClinGen allele CA2580613382.